The following is an entry in ClinVar:

NM_004380.3(CREBBP):c.3857G>A (p.Cys1286Tyr)

Gene: CREBBP (CREB binding lysine acetyltransferase; minus strand). Cytogenetic location: 16p13.3.
Variant type: single nucleotide variant.
Coding change: c.3857G>A on transcript NM_004380.3 (MANE Select); coding-DNA position 3857, G replaced by A.
Protein change: p.Cys1286Tyr; replaces cysteine 1286 with tyrosine.
Molecular consequence: missense variant.
Genome position (GRCh38, 1-based): chr16:3,745,334, C>T on the plus strand (G>A on the coding strand, the complement: CREBBP is on the minus strand). VCF-style: chr16-3745334-C-T. GRCh37 (hg19) VCF-style: chr16-3795335-C-T.
Other names: c.3743G>A, p.Cys1248Tyr (NM_001079846.1); short protein forms C1248Y, C1286Y.
Identifiers: ClinVar variation 3720973 (VCV003720973.2).

ClinVar aggregate classification (germline): Uncertain significance (1 of 4 stars; one submission).

Conditions:
Rubinstein-Taybi syndrome (RSTS). Identifiers: Orphanet 783, MedGen C0035934, MONDO:0019188.

Submission:

Labcorp Genetics (formerly Invitae), Labcorp
Classification: Uncertain significance for Rubinstein-Taybi syndrome. Last evaluated: 2024-09-30. Review status: criteria provided, single submitter. Criteria: Invitae Variant Classification Sherloc (09022015). Collection method: clinical testing. Allele origin: germline.
Comment: This sequence change replaces cysteine, which is neutral and slightly polar, with tyrosine, which is neutral and polar, at codon 1286 of the CREBBP protein (p.Cys1286Tyr). This variant is not present in population databases (gnomAD no frequency). This variant has not been reported in the literature in individuals affected with CREBBP-related conditions. Invitae Evidence Modeling of protein sequence and biophysical properties (such as structural, functional, and spatial information, amino acid conservation, physicochemical variation, residue mobility, and thermodynamic stability) indicates that this missense variant is expected to disrupt CREBBP protein function with a positive predictive value of 95%. In summary, the available evidence is currently insufficient to determine the role of this variant in disease. Therefore, it has been classified as a Variant of Uncertain Significance.